The following is an entry in ClinVar:

NM_153373.4(PHYKPL):c.718G>A (p.Gly240Arg)

Gene: PHYKPL (5-phosphohydroxy-L-lysine phospho-lyase; minus strand). Cytogenetic location: 5q35.3.
Variant type: single nucleotide variant.
Coding change: c.718G>A on transcript NM_153373.4 (MANE Select); coding-DNA position 718, G replaced by A.
Protein change: p.Gly240Arg; replaces glycine 240 with arginine.
Molecular consequence: missense variant. On other transcripts: non-coding transcript variant (2).
Genome position (GRCh38, 1-based): chr5:178,222,564, C>T on the plus strand (G>A on the coding strand, the complement: PHYKPL is on the minus strand). VCF-style: chr5-178222564-C-T. GRCh37 (hg19) VCF-style: chr5-177649565-C-T.
Other names: PHYKPL, GLY240ARG (rs201105857); c.595G>A, p.Gly199Arg (NM_001278346.1); short protein forms G240R, G199R.
Identifiers: ClinVar variation 39569 (VCV000039569.1), dbSNP rs201105857, ClinGen allele CA130366.

ClinVar aggregate classification (germline): no classifications from unflagged records (0 of 4 stars; one submission).

Conditions:
Phosphohydroxylysinuria (PHLU). Identifiers: MedGen C3554344, MONDO:0014008, OMIM 615011, HP:0031870.

Allele frequency attached by ClinVar (database versions not stated): gnomAD exomes 0.00007; ESP Exome Variant Server 0.00008; gnomAD 0.00007 and 0.00006; ExAC 0.00005; TOPMed 0.00006.
gnomAD v4.1: 107 of 1,614,072 alleles (0.0066%); highest among the groups gnomAD compares: Admixed American, 0.01%; no homozygotes.

Submission:

OMIM
Classification: Pathogenic for PHOSPHOHYDROXYLYSINURIA (1 patient). Last evaluated: 2013-11-01. Review status: flagged submission. Collection method: literature only. Allele origin: germline.
ClinVar note: Notes: Flagging candidate with reason of insufficient supporting evidence. This gene has been classified as having a limited gene-disease relationship by a ClinGen Expert Panel.
ClinVar note: Reason: P/LP classification for a variant in a gene with insufficient evidence for a gene-disease relationship

Literature cited by the submitters: PubMed 23242558.